The following is an entry in ClinVar:

ClinVar aggregate classification (germline): Pathogenic (1 of 4 stars; one submission).

Submission:

CeGaT Center for Human Genetics Tuebingen
Classification: Pathogenic. Last evaluated: 2022-12-01. Review status: criteria provided, single submitter. Criteria: CeGaT Center For Human Genetics Tuebingen Variant Classification Criteria Version 2. Collection method: clinical testing. Allele origin: germline. Affected: yes. Observed: 1 variant allele.
Comment: ZNF462: PVS1, PM2

NM_021224.6(ZNF462):c.2283G>A (p.Trp761Ter)

Gene: ZNF462 (zinc finger protein 462; plus strand). Cytogenetic location: 9q31.2.
Variant type: single nucleotide variant.
Coding change: c.2283G>A on transcript NM_021224.6 (MANE Select); coding-DNA position 2283, G replaced by A.
Protein change: p.Trp761Ter; replaces tryptophan 761 with a stop codon.
Molecular consequence: nonsense.
Genome position (GRCh38, 1-based): chr9:106,926,195, G>A. VCF-style: chr9-106926195-G-A. GRCh37 (hg19) VCF-style: chr9-109688476-G-A.
Other names: c.2283G>A, p.Trp761Ter (NM_001347997.2); short protein forms W761*.
Identifiers: ClinVar variation 1879740 (VCV001879740.29), dbSNP rs2538751691, ClinGen allele CA374389394.